The following is an entry in ClinVar:

NM_006015.6(ARID1A):c.6259G>A (p.Gly2087Arg)

Gene: ARID1A (AT-rich interaction domain 1A; plus strand). Cytogenetic location: 1p36.11.
Variant type: single nucleotide variant.
Coding change: c.6259G>A on transcript NM_006015.6 (MANE Select); coding-DNA position 6259, G replaced by A.
Protein change: p.Gly2087Arg; replaces glycine 2087 with arginine.
Molecular consequence: missense variant.
Genome position (GRCh38, 1-based): chr1:26,780,157, G>A. VCF-style: chr1-26780157-G-A. GRCh37 (hg19) VCF-style: chr1-27106648-G-A.
Other names: c.5608G>A, p.Gly1870Arg (NM_139135.4); short protein forms G2087R, G1870R.
Identifiers: ClinVar variation 438750 (VCV000438750.2), dbSNP rs1553153748, ClinGen allele CA339191211.

ClinVar aggregate classification (germline): other (0 of 4 stars; one submission).
ClinVar aggregate classification (somatic clinical impact): Tier I - Strong (1 of 4 stars; one submission).

Conditions:
Hepatoblastoma. Identifiers: Orphanet 449, MedGen C0206624, MONDO:0018666, HP:0002884.
Adenocarcinoma of the large intestine. Identifiers: MedGen C1319315, MONDO:0005008, HP:0040275.

Submissions (2):

Institute for Genomic Medicine (IGM) Clinical Laboratory, Nationwide Children's Hospital
Classification: Tier I - Strong for Adenocarcinoma of the large intestine. Assertion type: diagnostic. Clinical significance: supports diagnosis. Last evaluated: 2024-08-09. Review status: criteria provided, single submitter. Criteria: AMP/ASCO/CAP Guidelines, 2017. Collection method: clinical testing. Allele origin: somatic. Affected: yes.
Comment: Variant has Tier I (strong) clinical significance as a diagnostic inclusion criterion in colorectal adenocarcinoma, based on the following evidence: 1) Documented in one or more cancer databases (e.g., St. Jude Pecan, COSMIC, CIViC, OncoKB). 2) Appears in one or more well-established professional guidelines (e.g., World Health Organization [WHO]; National Comprehensive Cancer Network [NCCN]) as providing diagnostic, prognostic, or therapeutic information. 3) Diagnostic for a specific tumor type/classification based on well-powered studies with expert-level consensus (Evidence Level B; PMIDs: 33080474, 22009941, 24382590, 35421925, 31217031).

Donald Williams Parsons Laboratory, Baylor College of Medicine
Classification: other for HEPATOBLASTOMA. Last evaluated: 2016-05-01. Review status: no assertion criteria provided. Collection method: clinical testing. Allele origin: somatic. Inheritance: Somatic mutation. Affected: yes. Study: CSER-BASIC3.

Literature cited by the submitters: PubMed 33080474 (cited by Institute for Genomic Medicine (IGM) Clinical Laboratory, Nationwide Children's Hospital); PubMed 22009941 (cited by Institute for Genomic Medicine (IGM) Clinical Laboratory, Nationwide Children's Hospital); PubMed 24382590 (cited by Institute for Genomic Medicine (IGM) Clinical Laboratory, Nationwide Children's Hospital); PubMed 35421925 (cited by Institute for Genomic Medicine (IGM) Clinical Laboratory, Nationwide Children's Hospital); PubMed 31217031 (cited by Institute for Genomic Medicine (IGM) Clinical Laboratory, Nationwide Children's Hospital); PubMed 26822237 (cited by Donald Williams Parsons Laboratory, Baylor College of Medicine).